The following is an entry in ClinVar:

NM_004946.3(DOCK2):c.5166G>T (p.Arg1722=)

Gene: DOCK2 (dedicator of cytokinesis 2; plus strand). Cytogenetic location: 5q35.1.
Variant type: single nucleotide variant.
Coding change: c.5166G>T on transcript NM_004946.3 (MANE Select); coding-DNA position 5166, G replaced by T.
Protein change: p.Arg1722=; no amino-acid change (arginine 1722 retained).
Molecular consequence: synonymous variant. On other transcripts: non-coding transcript variant (1).
Genome position (GRCh38, 1-based): chr5:170,079,146, G>T. VCF-style: chr5-170079146-G-T. GRCh37 (hg19) VCF-style: chr5-169506150-G-T.
Identifiers: ClinVar variation 1023635 (VCV001023635.6), dbSNP rs774905346, ClinGen allele CA132027850.

ClinVar aggregate classification (germline): Uncertain significance (1 of 4 stars; one submission).

Conditions:
DOCK2 deficiency. Also called: Immunodeficiency 40. Identifiers: Orphanet 447737, MedGen C4225328, MONDO:0014637, OMIM 616433.

Allele frequency attached by ClinVar (database versions not stated): TOPMed 0.00001.
gnomAD v4.1: 159 of 1,612,912 alleles (0.0099%); highest among the groups gnomAD compares: Non-Finnish European, 0.013%; no homozygotes.

Submission:

Labcorp Genetics (formerly Invitae), Labcorp
Classification: Uncertain significance for DOCK2 deficiency. Last evaluated: 2020-09-08. Review status: criteria provided, single submitter. Criteria: Invitae Variant Classification Sherloc (09022015). Collection method: clinical testing. Allele origin: germline.
Comment: Nucleotide substitutions within the consensus splice site are a relatively common cause of aberrant splicing (PMID: 17576681, 9536098). Algorithms developed to predict the effect of sequence changes on RNA splicing suggest that this variant may disrupt the consensus splice site, but this prediction has not been confirmed by published transcriptional studies. This variant has not been reported in the literature in individuals with DOCK2-related conditions. This variant is not present in population databases (ExAC no frequency). This sequence change affects codon 1722 of the DOCK2 mRNA. It is a 'silent' change, meaning that it does not change the encoded amino acid sequence of the DOCK2 protein. This variant also falls at the last nucleotide of exon 49 of the DOCK2 coding sequence, which is part of the consensus splice site for this exon. In summary, the available evidence is currently insufficient to determine the role of this variant in disease. Therefore, it has been classified as a Variant of Uncertain Significance.

Literature cited by the submitters: PubMed 17576681; PubMed 9536098.